The following is an entry in ClinVar:

ClinVar aggregate classification (germline): Conflicting classifications of pathogenicity. Review status: criteria provided, conflicting classifications (1 of 4 stars). 7 submissions from 6 submitters: Uncertain significance (2); Benign (1); Likely benign (3). 1 of the submissions does not count toward it. Last evaluated 2026-01-06.

Conditions:
Hereditary cancer-predisposing syndrome. Also called: Neoplastic Syndromes, Hereditary; Hereditary neoplastic syndrome; Tumor predisposition; Hereditary Cancer Syndrome. Identifiers: Orphanet 140162, MedGen C0027672, MeSH D009386, MONDO:0015356.
Cardiovascular phenotype. Identifiers: MedGen CN230736.
NF1-related disorder. Also called: NF1-related condition. Identifiers: MedGen CN379171.
Neurofibromatosis, type 1 (NF1). Also called: VON RECKLINGHAUSEN DISEASE; NEUROFIBROMATOSIS, TYPE I, SOMATIC; Peripheral type neurofibromatosis; Neurofibromatosis, type I. Identifiers: Orphanet 636, MedGen C0027831, MONDO:0018975, OMIM 162200. Disease mechanism: loss of function.

Allele frequency attached by ClinVar (database versions not stated): ExAC 0.00001; gnomAD exomes below 0.00001 and 0.00001; gnomAD 0.00001; TOPMed 0.00001.
gnomAD v4.1: 12 of 1,613,630 alleles (0.00074%); highest among the groups gnomAD compares: Middle Eastern, 0.033%; no homozygotes.

Submissions (7):

Labcorp Genetics (formerly Invitae), Labcorp
Classification: Benign for Neurofibromatosis, type 1. Last evaluated: 2026-01-06. Review status: criteria provided, single submitter. Criteria: Invitae Variant Classification Sherloc (09022015). Collection method: clinical testing. Allele origin: germline.

Dasa
Classification: Uncertain significance. Last evaluated: 2025-05-07. Review status: criteria provided, single submitter. Criteria: DASA Assertion Criteria. Collection method: clinical testing. Allele origin: germline.
Comment: NM_001042492.3(NF1):c.1891G>A (p.Gly631Arg) is a missense variant that results in the substitution of glycine with arginine. This variant is rare in population databases. Computational prediction algorithms are consistent with a deleterious effect. The currently available literature and clinical evidence are not sufficient to establish a definitive association between this variant and the reported condition. Therefore, this variant is classified as a variant of uncertain significance.

GeneDx
Classification: Likely benign. Last evaluated: 2021-07-16. Review status: criteria provided, single submitter. Criteria: GeneDx Variant Classification Process June 2021. Collection method: clinical testing. Allele origin: germline. Affected: yes.
Comment: In silico analysis supports that this missense variant does not alter protein structure/function; In silico analysis suggests this variant may impact gene splicing. In the absence of RNA/functional studies, the actual effect of this sequence change is unknown.; Has not been previously published as pathogenic or benign to our knowledge; This variant is associated with the following publications: (PMID: 25486365)

Ambry Genetics
Classification: Likely benign for Cardiovascular phenotype; Hereditary cancer-predisposing syndrome. Last evaluated: 2020-09-11. Review status: criteria provided, single submitter. Criteria: Ambry Variant Classification Scheme 2023. Collection method: clinical testing. Allele origin: germline.

Mendelics
Classification: Uncertain significance for Neurofibromatosis, type 1. Last evaluated: 2018-07-02. Review status: criteria provided, single submitter. Criteria: Mendelics Assertion Criteria 2017. Collection method: clinical testing. Allele origin: unknown.

Ambry Genetics
Classification: Likely benign for Hereditary cancer-predisposing syndrome. Last evaluated: 2015-09-10. Review status: criteria provided, single submitter. Criteria: Ambry Autosomal Dominant and X-Linked criteria (10/2015). Collection method: clinical testing. Allele origin: germline. Observed: 1 variant allele.
Comment: Other strong data supporting benign classification

PreventionGenetics, part of Exact Sciences
Classification: Uncertain significance for NF1-related condition. Last evaluated: 2024-09-27. Review status: no assertion criteria provided. Collection method: clinical testing. Allele origin: germline. Not counted in ClinVar's aggregate classification.
Comment: The NF1 c.1891G>A variant is predicted to result in the amino acid substitution p.Gly631Arg. To our knowledge, this variant has not been reported in the literature. This variant is reported in 0.00088% of alleles in individuals of European (Non-Finnish) descent in gnomAD and has conflicting interpretations of pathogenicity in ClinVar. Although we suspect that this variant may be benign, at this time, the clinical significance of this variant is uncertain due to the absence of conclusive functional and genetic evidence.

NM_001042492.3(NF1):c.1891G>A (p.Gly631Arg)

Gene: NF1 (neurofibromin 1; plus strand). Cytogenetic location: 17q11.2.
Variant type: single nucleotide variant.
Coding change: c.1891G>A on transcript NM_001042492.3 (MANE Select); coding-DNA position 1891, G replaced by A.
Protein change: p.Gly631Arg; replaces glycine 631 with arginine.
Molecular consequence: missense variant.
Genome position (GRCh38, 1-based): chr17:31,225,140, G>A. VCF-style: chr17-31225140-G-A. GRCh37 (hg19) VCF-style: chr17-29552158-G-A.
Other names: c.1891G>A, p.Gly631Arg (NM_000267.4); short protein forms G631R.
Identifiers: ClinVar variation 184452 (VCV000184452.18), dbSNP rs757424379, ClinGen allele CA189000.